The following is an entry in ClinVar:

NM_017672.6(TRPM7):c.2604G>C (p.Met868Ile)

Gene: TRPM7 (transient receptor potential cation channel subfamily M member 7; minus strand). Cytogenetic location: 15q21.2.
Variant type: single nucleotide variant.
Coding change: c.2604G>C on transcript NM_017672.6 (MANE Select); coding-DNA position 2604, G replaced by C.
Protein change: p.Met868Ile; replaces methionine 868 with isoleucine.
Molecular consequence: missense variant. On other transcripts: non-coding transcript variant (3).
Genome position (GRCh38, 1-based): chr15:50,607,305, C>G on the plus strand (G>C on the coding strand, the complement: TRPM7 is on the minus strand). VCF-style: chr15-50607305-C-G. GRCh37 (hg19) VCF-style: chr15-50899502-C-G.
Other names: c.2604G>C, p.Met868Ile (NM_001301212.2); short protein forms M868I.
Identifiers: ClinVar variation 3364245 (VCV003364245.1).
Genomic context (GRCh38, chr15:50,607,305, plus strand): 5'-AATCCATTCTTGAACTGAAGGTAACTGTTCCATTTGTACAAGAACCACAAATGTATAAAG[C>G]ATCAGAAATCCTAAATATGCCAACTAATGAAAAAGTAAAGGTTACATAAATAACATTGGT-3'
Protein context (NP_060142.3, residues 858-878): FNTLAYLGFL[Met868Ile]LYTFVVLVQM

ClinVar aggregate classification (germline): Uncertain significance (1 of 4 stars; one submission).

Submission:

GeneDx
Classification: Uncertain significance. Last evaluated: 2023-11-22. Review status: criteria provided, single submitter. Criteria: GeneDx Variant Classification Process June 2021. Collection method: clinical testing. Allele origin: germline. Affected: yes.
Comment: Not observed at significant frequency in large population cohorts (gnomAD); In silico analysis supports that this missense variant has a deleterious effect on protein structure/function; Has not been previously published as pathogenic or benign to our knowledge